The following is an entry in ClinVar:

ClinVar aggregate classification (germline): Uncertain significance (1 of 4 stars; one submission).

gnomAD v4.1: 1 of 1,583,238 alleles (0.000063%); highest among the groups gnomAD compares: African/African-American, 0.0013%; no homozygotes.

Submission:

Labcorp Genetics (formerly Invitae), Labcorp
Classification: Uncertain significance. Last evaluated: 2024-10-05. Review status: criteria provided, single submitter. Criteria: Invitae Variant Classification Sherloc (09022015). Collection method: clinical testing. Allele origin: germline.
Comment: This sequence change replaces proline, which is neutral and non-polar, with serine, which is neutral and polar, at codon 228 of the SEPT9 protein (p.Pro228Ser). This variant is present in population databases (no rsID available, gnomAD 0.009%). This variant has not been reported in the literature in individuals affected with SEPT9-related conditions. Invitae Evidence Modeling of protein sequence and biophysical properties (such as structural, functional, and spatial information, amino acid conservation, physicochemical variation, residue mobility, and thermodynamic stability) indicates that this missense variant is not expected to disrupt SEPT9 protein function with a negative predictive value of 80%. In summary, the available evidence is currently insufficient to determine the role of this variant in disease. Therefore, it has been classified as a Variant of Uncertain Significance.

NM_001113491.2(SEPTIN9):c.736C>T (p.Pro246Ser)

Gene: SEPTIN9 (septin 9; plus strand). Cytogenetic location: 17q25.3.
Variant type: single nucleotide variant.
Coding change: c.736C>T on transcript NM_001113491.2 (MANE Select); coding-DNA position 736, C replaced by T.
Protein change: p.Pro246Ser; replaces proline 246 with serine.
Molecular consequence: missense variant. On other transcripts: 5 prime UTR variant (4).
Genome position (GRCh38, 1-based): chr17:77,482,158, C>T. VCF-style: chr17-77482158-C-T. GRCh37 (hg19) VCF-style: chr17-75478240-C-T.
Other names: c.244C>T, p.Pro82Ser (NM_001113492.2, NM_001113494.1); c.715C>T, p.Pro239Ser (NM_001113493.2); c.-18C>T (NM_001113495.2, NM_001113496.2, NM_001293697.2 and 1 more transcripts); c.679C>T, p.Pro227Ser (NM_001293695.2); c.64C>T, p.Pro22Ser (NM_001293696.2); c.682C>T, p.Pro228Ser (NM_006640.5); short protein forms P246S, P228S, P82S, P227S, P22S, P239S.
Identifiers: ClinVar variation 3707093 (VCV003707093.2).